The following is an entry in ClinVar:

ClinVar aggregate classification (germline): Uncertain significance (1 of 4 stars; one submission).

Conditions:
Renal cell carcinoma. Identifiers: Orphanet 217071, MedGen C0007134, MeSH D002292, MONDO:0005086, HP:0005584.

Submission:

Labcorp Genetics (formerly Invitae), Labcorp
Classification: Uncertain significance for Renal cell carcinoma. Last evaluated: 2023-10-04. Review status: criteria provided, single submitter. Criteria: Invitae Variant Classification Sherloc (09022015). Collection method: clinical testing. Allele origin: germline.
Comment: This sequence change affects codon 694 of the MET mRNA. It is a 'silent' change, meaning that it does not change the encoded amino acid sequence of the MET protein. This variant is not present in population databases (gnomAD no frequency). This variant has not been reported in the literature in individuals affected with MET-related conditions. Algorithms developed to predict the effect of sequence changes on RNA splicing suggest that this variant may create or strengthen a splice site. In summary, the available evidence is currently insufficient to determine the role of this variant in disease. Therefore, it has been classified as a Variant of Uncertain Significance.

NM_000245.4(MET):c.2082A>T (p.Gly694=)

Gene: MET (MET proto-oncogene, receptor tyrosine kinase; plus strand). Cytogenetic location: 7q31.2.
Variant type: single nucleotide variant.
Coding change: c.2082A>T on transcript NM_000245.4 (MANE Select); coding-DNA position 2082, A replaced by T.
Protein change: p.Gly694=; no amino-acid change (glycine 694 retained).
Molecular consequence: synonymous variant.
Genome position (GRCh38, 1-based): chr7:116,757,754, A>T. VCF-style: chr7-116757754-A-T. GRCh37 (hg19) VCF-style: chr7-116397808-A-T.
Other names: c.2082A>T, p.Gly694= (NM_001127500.3, NM_001324401.3); c.792A>T, p.Gly264= (NM_001324402.2).
Identifiers: ClinVar variation 2765277 (VCV002765277.3), dbSNP rs1156480798, ClinGen allele CA457216607.
Genomic context (GRCh38, chr7:116,757,754, plus strand): 5'-ACTTACTTTAACTGGAAATTACCTAAACAGTGGGAATTCTAGACACATTTCAATTGGTGG[A>T]AAAACATGTACTTTAAAAAGGTGTTGTAAATTTATTTTTTGTTGCATCTGTCAATTTGAA-3'
Protein context (NP_000236.2, residues 684-704): SGNSRHISIG[Gly694=]KTCTLKSVSN